The following is an entry in ClinVar:

NM_001291303.3(FAT4):c.1890G>T (p.Arg630Ser)

Gene: FAT4 (FAT atypical cadherin 4; plus strand). Cytogenetic location: 4q28.1.
Variant type: single nucleotide variant.
Coding change: c.1890G>T on transcript NM_001291303.3 (MANE Select); coding-DNA position 1890, G replaced by T.
Protein change: p.Arg630Ser; replaces arginine 630 with serine.
Molecular consequence: missense variant.
Genome position (GRCh38, 1-based): chr4:125,318,301, G>T. VCF-style: chr4-125318301-G-T. GRCh37 (hg19) VCF-style: chr4-126239456-G-T.
Other names: c.1890G>T, p.Arg630Ser (NM_001291285.3, NM_024582.6); short protein forms R630S.
Identifiers: ClinVar variation 1489626 (VCV001489626.6), dbSNP rs1730738135, ClinGen allele CA358118971.

ClinVar aggregate classification (germline): Uncertain significance (1 of 4 stars; one submission).

Submission:

Labcorp Genetics (formerly Invitae), Labcorp
Classification: Uncertain significance. Last evaluated: 2022-07-12. Review status: criteria provided, single submitter. Criteria: Invitae Variant Classification Sherloc (09022015). Collection method: clinical testing. Allele origin: germline.
Comment: This sequence change replaces arginine, which is basic and polar, with serine, which is neutral and polar, at codon 630 of the FAT4 protein (p.Arg630Ser). In summary, the available evidence is currently insufficient to determine the role of this variant in disease. Therefore, it has been classified as a Variant of Uncertain Significance. Advanced modeling of protein sequence and biophysical properties (such as structural, functional, and spatial information, amino acid conservation, physicochemical variation, residue mobility, and thermodynamic stability) performed at Invitae indicates that this missense variant is not expected to disrupt FAT4 protein function. ClinVar contains an entry for this variant (Variation ID: 1489626). This variant has not been reported in the literature in individuals affected with FAT4-related conditions. This variant is not present in population databases (gnomAD no frequency).